The following is an entry in ClinVar:

NM_147127.5(EVC2):c.816+2T>C

Gene: EVC2 (EvC ciliary complex subunit 2; minus strand). Cytogenetic location: 4p16.2.
Variant type: single nucleotide variant.
Coding change: c.816+2T>C on transcript NM_147127.5 (MANE Select); the canonical splice donor site of the intron after coding-DNA position 816, T replaced by C.
Molecular consequence: splice donor variant.
Genome position (GRCh38, 1-based): chr4:5,685,368, A>G on the plus strand (T>C on the coding strand, the complement: EVC2 is on the minus strand). VCF-style: chr4-5685368-A-G. GRCh37 (hg19) VCF-style: chr4-5687095-A-G.
Other names: c.576+2T>C (NM_001166136.2).
Identifiers: ClinVar variation 552259 (VCV000552259.9), dbSNP rs1294715119, ClinGen allele CA356146666.

ClinVar aggregate classification (germline): Pathogenic. Review status: criteria provided, single submitter (1 of 4 stars). 2 submissions from 2 submitters: Pathogenic (1). 1 of the submissions does not count toward it. Last evaluated 2024-02-26.

Conditions:
Curry-Hall syndrome (WAD). Also called: WEYERS ACRODENTAL DYSOSTOSIS. Identifiers: Orphanet 952, MedGen C0457013, MONDO:0008673, OMIM 193530.
Ellis-van Creveld syndrome (EVC). Also called: EVC2-Related Ellis-van Creveld Syndrome; EVC-Related Ellis-van Creveld Syndrome; MESOECTODERMAL DYSPLASIA; Chondroectodermal dysplasia. Identifiers: Orphanet 289, MedGen C0013903, MONDO:0009162, OMIM 225500.

Allele frequency attached by ClinVar (database versions not stated): gnomAD exomes below 0.00001.
gnomAD v4.1: 4 of 1,613,924 alleles (0.00025%); highest among the groups gnomAD compares: Admixed American, 0.0017%; no homozygotes.

Submissions (2):

Labcorp Genetics (formerly Invitae), Labcorp
Classification: Pathogenic for Curry-Hall syndrome; Ellis-van Creveld syndrome. Last evaluated: 2024-02-26. Review status: criteria provided, single submitter. Criteria: Invitae Variant Classification Sherloc (09022015). Collection method: clinical testing. Allele origin: germline.
Comment: This sequence change affects a donor splice site in intron 6 of the EVC2 gene. It is expected to disrupt RNA splicing. Variants that disrupt the donor or acceptor splice site typically lead to a loss of protein function (PMID: 16199547), and loss-of-function variants in EVC2 are known to be pathogenic (PMID: 17024374, 19810119, 19876929). This variant is present in population databases (no rsID available, gnomAD 0.003%). Disruption of this splice site has been observed in individual(s) with clinical features of autosomal recessive Ellis-van Creveld syndrome (Invitae). In at least one individual the data is consistent with being in trans (on the opposite chromosome) from a pathogenic variant. ClinVar contains an entry for this variant (Variation ID: 552259). Algorithms developed to predict the effect of sequence changes on RNA splicing suggest that this variant may disrupt the consensus splice site. For these reasons, this variant has been classified as Pathogenic.

Counsyl
Classification: Likely pathogenic for Ellis-van Creveld syndrome. Last evaluated: 2017-05-31. Review status: no assertion criteria provided. Collection method: clinical testing. Allele origin: unknown. Not counted in ClinVar's aggregate classification.

Literature cited by the submitters: PubMed 16199547 (cited by Labcorp Genetics (formerly Invitae), Labcorp); PubMed 17024374 (cited by Labcorp Genetics (formerly Invitae), Labcorp); PubMed 19810119 (cited by Labcorp Genetics (formerly Invitae), Labcorp); PubMed 19876929 (cited by Labcorp Genetics (formerly Invitae), Labcorp).